The following is an entry in ClinVar:

NM_178516.4(EXOC3L1):c.2147G>A (p.Arg716His)

Gene: EXOC3L1 (exocyst complex component 3 like 1; minus strand). Cytogenetic location: 16q22.1.
Variant type: single nucleotide variant.
Coding change: c.2147G>A on transcript NM_178516.4 (MANE Select); coding-DNA position 2147, G replaced by A.
Protein change: p.Arg716His; replaces arginine 716 with histidine.
Molecular consequence: missense variant.
Genome position (GRCh38, 1-based): chr16:67,184,488, C>T on the plus strand (G>A on the coding strand, the complement: EXOC3L1 is on the minus strand). VCF-style: chr16-67184488-C-T. GRCh37 (hg19) VCF-style: chr16-67218391-C-T.
Other names: short protein forms R716H.
Identifiers: ClinVar variation 2646610 (VCV002646610.24), dbSNP rs201102355, ClinGen allele CA8102828.
Genomic context (GRCh38, chr16:67,184,488, plus strand): 5'-CCCGAGGGCAGGCAGGAGGCCGGCGCGAGCGCGGGCGCGGGCACTAGGCTGAAGAGGACG[C>T]GGCGGCTCGCGCGGGGCGACGGCGGCAGCGCAGCCTGCAGGGAGCTGAGCGCGGCCAGGT-3'
Protein context (NP_848611.2, residues 706-726): ALPPSPRASR[Arg716His]VLFSLVPAPA

ClinVar aggregate classification (germline): Likely benign (1 of 4 stars; one submission).

Allele frequency attached by ClinVar (database versions not stated): 1000 Genomes Project 0.00180; 1000 Genomes Project 30x 0.00187; ESP Exome Variant Server 0.00464; TOPMed 0.00490; gnomAD 0.00503; ExAC 0.00644.
gnomAD v4.1: 11,902 of 1,522,036 alleles (0.78%); highest among the groups gnomAD compares: Non-Finnish European, 0.95%; 56 homozygotes.

Submission:

CeGaT Center for Human Genetics Tuebingen
Classification: Likely benign. Last evaluated: 2022-07-01. Review status: criteria provided, single submitter. Criteria: CeGaT Center For Human Genetics Tuebingen Variant Classification Criteria Version 2. Collection method: clinical testing. Allele origin: germline. Affected: yes. Observed: 1 variant allele.
Comment: EXOC3L1: BS2